The following is an entry in ClinVar:

NM_032634.4(PIGO):c.698G>A (p.Gly233Asp)

Gene: PIGO (phosphatidylinositol glycan anchor biosynthesis class O; minus strand). Cytogenetic location: 9p13.3.
Variant type: single nucleotide variant.
Coding change: c.698G>A on transcript NM_032634.4 (MANE Select); coding-DNA position 698, G replaced by A.
Protein change: p.Gly233Asp; replaces glycine 233 with aspartic acid.
Molecular consequence: missense variant.
Genome position (GRCh38, 1-based): chr9:35,093,982, C>T on the plus strand (G>A on the coding strand, the complement: PIGO is on the minus strand). VCF-style: chr9-35093982-C-T. GRCh37 (hg19) VCF-style: chr9-35093979-C-T.
Other names: c.698G>A, p.Gly233Asp (NM_001201484.2, NM_152850.4); short protein forms G233D.
Identifiers: ClinVar variation 1468032 (VCV001468032.8), dbSNP rs1210708486, ClinGen allele CA373323700.

ClinVar aggregate classification (germline): Uncertain significance (1 of 4 stars; one submission).

Conditions:
Hyperphosphatasia with impaired intellectual development syndrome 2. Also called: Hyperphosphatasia with intellectual disability syndrome 2; GLYCOSYLPHOSPHATIDYLINOSITOL BIOSYNTHESIS DEFECT 6. Identifiers: Orphanet 247262, MedGen C3553637, MONDO:0013882, OMIM 614749.

Allele frequency attached by ClinVar (database versions not stated): gnomAD exomes 0.00001 and below 0.00001; TOPMed below 0.00001.

Submission:

Labcorp Genetics (formerly Invitae), Labcorp
Classification: Uncertain significance for Hyperphosphatasia with impaired intellectual development syndrome 2. Last evaluated: 2020-11-03. Review status: criteria provided, single submitter. Criteria: Invitae Variant Classification Sherloc (09022015). Collection method: clinical testing. Allele origin: germline.
Comment: In summary, the available evidence is currently insufficient to determine the role of this variant in disease. Therefore, it has been classified as a Variant of Uncertain Significance. Algorithms developed to predict the effect of missense changes on protein structure and function are either unavailable or do not agree on the potential impact of this missense change (SIFT: "Deleterious"; PolyPhen-2: "Probably Damaging"; Align-GVGD: "Class C15"). This variant has not been reported in the literature in individuals with PIGO-related conditions. This variant is not present in population databases (ExAC no frequency). This sequence change replaces glycine with aspartic acid at codon 233 of the PIGO protein (p.Gly233Asp). The glycine residue is highly conserved and there is a moderate physicochemical difference between glycine and aspartic acid.